The following is an entry in ClinVar:

ClinVar aggregate classification (germline): Uncertain significance (1 of 4 stars; one submission).

Conditions:
Autism (AUTS). Also called: Autistic disorder; Autistic disorder of childhood onset. Identifiers: MedGen C0004352, MeSH D001321, MONDO:0005260, OMIM 209850, HP:0000717.

gnomAD v4.1: 1 of 1,613,972 alleles (0.000062%); highest among the groups gnomAD compares: Non-Finnish European, 0.000085%; no homozygotes.

Submission:

Clinical Genetics Laboratory, Skane University Hospital Lund
Classification: Uncertain significance for Autism. Last evaluated: 2026-03-02. Review status: criteria provided, single submitter. Criteria: ACMG Guidelines, 2015. Collection method: clinical testing. Allele origin: germline. Affected: yes.
Comment: De novo confirmed (trio analysis). Applied ACMG criteria: PS2_supporting, PM2, PP2, PP3.

NM_014502.5(PRPF19):c.215C>T (p.Pro72Leu)

Gene: PRPF19 (pre-mRNA processing factor 19; minus strand). Cytogenetic location: 11q12.2.
Variant type: single nucleotide variant.
Coding change: c.215C>T on transcript NM_014502.5 (MANE Select); coding-DNA position 215, C replaced by T.
Protein change: p.Pro72Leu; replaces proline 72 with leucine.
Molecular consequence: missense variant.
Genome position (GRCh38, 1-based): chr11:60,903,490, G>A on the plus strand (C>T on the coding strand, the complement: PRPF19 is on the minus strand). VCF-style: chr11-60903490-G-A. GRCh37 (hg19) VCF-style: chr11-60670962-G-A.
Other names: short protein forms P72L.
Identifiers: ClinVar variation 4813216 (VCV004813216.1).
Genomic context (GRCh38, chr11:60,903,490, plus strand): 5'-AAGATGCTGATTCTCTTGCAGGAACTCACCCACTCATCCTGCAAAGCTTTCAGAATGGCC[G>A]GGATGCTGGTGGCTGAGGGAGGCTTGGGCCGGATTGGGTGAGCAACTGCCGAAAGGGAAA-3'
Protein context (NP_055317.1, residues 62-82): RPKPPSATSI[Pro72Leu]AILKALQDEW